The following is an entry in ClinVar:

NM_000179.3(MSH6):c.616G>A (p.Glu206Lys)

Gene: MSH6 (mutS homolog 6; plus strand). Cytogenetic location: 2p16.3.
Variant type: single nucleotide variant.
Coding change: c.616G>A on transcript NM_000179.3 (MANE Select); coding-DNA position 616, G replaced by A.
Protein change: p.Glu206Lys; replaces glutamic acid 206 with lysine.
Molecular consequence: missense variant. On other transcripts: 5 prime UTR variant (2), non-coding transcript variant (5), intron variant (8).
Genome position (GRCh38, 1-based): chr2:47,796,052, G>A. VCF-style: chr2-47796052-G-A. GRCh37 (hg19) VCF-style: chr2-48023191-G-A.
Other names: c.-287G>A (NM_001281494.2); c.712G>A, p.Glu238Lys (NM_001406795.1, NM_001406802.1); c.616G>A, p.Glu206Lys (NM_001406796.1, NM_001406798.1, NM_001406800.1 and 5 more transcripts); c.319G>A, p.Glu107Lys (NM_001406797.1, NM_001406801.1, NM_001406805.1 and 10 more transcripts); c.91G>A, p.Glu31Lys (NM_001406799.1, NM_001406806.1, NM_001406807.1); c.538G>A, p.Glu180Lys (NM_001406804.1); c.622G>A, p.Glu208Lys (NM_001406813.1); c.-379G>A (NM_001406814.1); and 3 more; short protein forms E107K, E150K, E180K, E206K, E208K, E238K, E31K.
Identifiers: ClinVar variation 3073839 (VCV003073839.3), dbSNP rs1387614369, ClinGen allele CA346738889.

ClinVar aggregate classification (germline): Uncertain significance. Review status: criteria provided, multiple submitters, no conflicts (2 of 4 stars). 3 submissions from 3 submitters: Uncertain significance (3). Last evaluated 2025-11-07.

Conditions:
Hereditary cancer-predisposing syndrome. Also called: Neoplastic Syndromes, Hereditary; Tumor predisposition; Hereditary neoplastic syndrome; Hereditary Cancer Syndrome. Identifiers: Orphanet 140162, MedGen C0027672, MeSH D009386, MONDO:0015356.
Lynch syndrome. Identifiers: Orphanet 144, MedGen C4552100, MONDO:0005835. Disease mechanism: loss of function.
Endometrial carcinoma. Also called: Endometrial carcinoma, somatic. Identifiers: MedGen C0476089, MONDO:0002447, OMIM 608089, HP:0012114.

Allele frequency attached by ClinVar (database versions not stated): gnomAD exomes below 0.00001.

Submissions (3):

Ambry Genetics
Classification: Uncertain significance for Hereditary cancer-predisposing syndrome. Last evaluated: 2025-11-07. Review status: criteria provided, single submitter. Criteria: Ambry Variant Classification Scheme 2023. Collection method: clinical testing. Allele origin: germline.
Comment: The p.E206K variant (also known as c.616G>A), located in coding exon 3 of the MSH6 gene, results from a G to A substitution at nucleotide position 616. The glutamic acid at codon 206 is replaced by lysine, an amino acid with similar properties. This amino acid position is conserved. In addition, this alteration is predicted to be tolerated by in silico analysis. Based on the available evidence, the clinical significance of this variant remains unclear.

Baylor Genetics
Classification: Uncertain significance for Endometrial carcinoma. Last evaluated: 2024-03-14. Review status: criteria provided, single submitter. Criteria: ACMG Guidelines, 2015. Collection method: clinical testing. Allele origin: unknown.

All of Us Research Program, National Institutes of Health
Classification: Uncertain significance for Lynch syndrome. Last evaluated: 2023-10-06. Review status: criteria provided, single submitter. Criteria: ACMG Guidelines, 2015. Collection method: clinical testing. Allele origin: germline. Inheritance: Autosomal dominant inheritance. Observed: 1 variant allele, 1 heterozygote.
Comment: This missense variant replaces glutamic acid with lysine at codon 206 of the MSH6 protein. Computational prediction suggests that this variant may not impact protein structure and function (internally defined REVEL score threshold <= 0.5, PMID: 27666373). To our knowledge, functional studies have not been reported for this variant. This variant has not been reported in individuals affected with MSH6-related disorders in the literature. This variant has been identified in 1/251306 chromosomes in the general population by the Genome Aggregation Database (gnomAD). The available evidence is insufficient to determine the role of this variant in disease conclusively. Therefore, this variant is classified as a Variant of Uncertain Significance.

This study involves interpretation of variants in research participants for the purpose of population health screening. Participant phenotype was not available at the time of variant classification. Additional details can be found in publication PMID: 35346344, PMCID: PMC8962531